The following is an entry in ClinVar:

ClinVar aggregate classification (germline): Conflicting classifications of pathogenicity. Review status: criteria provided, conflicting classifications (1 of 4 stars). 5 submissions from 5 submitters: Uncertain significance (3); Likely benign (2). Last evaluated 2026-06-11.

Conditions:
B4GALNT1-related disorder. Also called: B4GALNT1-related condition.
Spastic paraplegia. Identifiers: MedGen C0037772, HP:0001258.
Hereditary spastic paraplegia 26 (SPG26). Also called: SPASTIC PARAPLEGIA 26, AUTOSOMAL RECESSIVE. Identifiers: Orphanet 101006, MedGen C1836632, MONDO:0012213, OMIM 609195.

Allele frequency attached by ClinVar (database versions not stated): 1000 Genomes Project 30x 0.00016; 1000 Genomes Project 0.00020; TOPMed 0.00044; gnomAD exomes 0.00047 and 0.00062; gnomAD 0.00051 and 0.00057; ExAC 0.00087; ESP Exome Variant Server 0.00108.
gnomAD v4.1: 772 of 1,595,116 alleles (0.048%); highest among the groups gnomAD compares: Middle Eastern, 0.17%; 1 homozygote.

Submissions (5):

PreventionGenetics, part of Exact Sciences
Classification: Likely benign for B4GALNT1-related condition. Last evaluated: 2026-06-11. Review status: criteria provided, single submitter. Criteria: ACMG Guidelines, 2015. Collection method: clinical testing. Allele origin: germline.
Comment: This variant is classified as likely benign based on ACMG/AMP sequence variant interpretation guidelines (Richards et al. 2015 PMID: 25741868, with internal and published modifications).

GeneDx
Classification: Uncertain significance. Last evaluated: 2025-01-29. Review status: criteria provided, single submitter. Criteria: GeneDx Variant Classification Process June 2021. Collection method: clinical testing. Allele origin: germline. Affected: yes.
Comment: In silico analysis indicates that this missense variant does not alter protein structure/function; Has not been previously published as pathogenic or benign to our knowledge

Mayo Clinic Laboratories, Mayo Clinic
Classification: Likely benign. Last evaluated: 2024-11-19. Review status: criteria provided, single submitter. Criteria: ACMG Guidelines, 2015. Collection method: clinical testing. Allele origin: germline. Observed: 2 variant alleles.
Comment: BS1, BP4

Labcorp Genetics (formerly Invitae), Labcorp
Classification: Uncertain significance for Spastic paraplegia. Last evaluated: 2024-01-02. Review status: criteria provided, single submitter. Criteria: Invitae Variant Classification Sherloc (09022015). Collection method: clinical testing. Allele origin: germline.
Comment: This sequence change replaces glutamic acid, which is acidic and polar, with glycine, which is neutral and non-polar, at codon 243 of the B4GALNT1 protein (p.Glu243Gly). This variant is present in population databases (rs149670131, gnomAD 0.2%), and has an allele count higher than expected for a pathogenic variant. This variant has not been reported in the literature in individuals affected with B4GALNT1-related conditions. ClinVar contains an entry for this variant (Variation ID: 458224). Advanced modeling of protein sequence and biophysical properties (such as structural, functional, and spatial information, amino acid conservation, physicochemical variation, residue mobility, and thermodynamic stability) performed at Invitae indicates that this missense variant is not expected to disrupt B4GALNT1 protein function with a negative predictive value of 80%. In summary, the available evidence is currently insufficient to determine the role of this variant in disease. Therefore, it has been classified as a Variant of Uncertain Significance.

Baylor Genetics
Classification: Uncertain significance for Hereditary spastic paraplegia 26. Last evaluated: 2019-09-20. Review status: criteria provided, single submitter. Criteria: ACMG Guidelines, 2015. Collection method: clinical testing. Allele origin: unknown. Affected: yes.
Comment: This variant was determined to be of uncertain significance according to ACMG Guidelines, 2015 [PMID:25741868].

Literature cited by the submitters: PubMed 27679996 (cited by Mayo Clinic Laboratories, Mayo Clinic); PubMed 35588347 (cited by Mayo Clinic Laboratories, Mayo Clinic).

NM_001478.5(B4GALNT1):c.728A>G (p.Glu243Gly)

Gene: B4GALNT1 (beta-1,4-N-acetyl-galactosaminyltransferase 1; minus strand). Cytogenetic location: 12q13.3.
Variant type: single nucleotide variant.
Coding change: c.728A>G on transcript NM_001478.5 (MANE Select); coding-DNA position 728, A replaced by G.
Protein change: p.Glu243Gly; replaces glutamic acid 243 with glycine.
Molecular consequence: missense variant.
Genome position (GRCh38, 1-based): chr12:57,629,131, T>C on the plus strand (A>G on the coding strand, the complement: B4GALNT1 is on the minus strand). VCF-style: chr12-57629131-T-C. GRCh37 (hg19) VCF-style: chr12-58022914-T-C.
Other names: p.Glu243Gly; c.563A>G, p.Glu188Gly (NM_001276468.2); short protein forms E243G, E188G.
Identifiers: ClinVar variation 458224 (VCV000458224.11), dbSNP rs149670131, ClinGen allele CA6655656.